The following is an entry in ClinVar:

ClinVar aggregate classification (germline): Uncertain significance. Review status: criteria provided, multiple submitters, no conflicts (2 of 4 stars). 2 submissions from 2 submitters: Uncertain significance (2). Last evaluated 2026-01-07.

Allele frequency attached by ClinVar (database versions not stated): gnomAD exomes 0.00005; ExAC 0.00016; ESP Exome Variant Server 0.00031; 1000 Genomes Project 0.00040; gnomAD 0.00046; TOPMed 0.00049; 1000 Genomes Project 30x 0.00078.
gnomAD v4.1: 142 of 1,614,072 alleles (0.0088%); highest among the groups gnomAD compares: African/African-American, 0.16%; no homozygotes.

Submissions (2):

Labcorp Genetics (formerly Invitae), Labcorp
Classification: Uncertain significance. Last evaluated: 2026-01-07. Review status: criteria provided, single submitter. Criteria: Invitae Variant Classification Sherloc (09022015). Collection method: clinical testing. Allele origin: germline.
Comment: This sequence change replaces isoleucine, which is neutral and non-polar, with phenylalanine, which is neutral and non-polar, at codon 950 of the TMPRSS15 protein (p.Ile950Phe). This variant is present in population databases (rs150307724, gnomAD 0.2%). This variant has not been reported in the literature in individuals affected with TMPRSS15-related conditions. ClinVar contains an entry for this variant (Variation ID: 2085786). An algorithm developed to predict the effect of missense changes on protein structure and function (PolyPhen-2) suggests that this variant is likely to be disruptive. In summary, the available evidence is currently insufficient to determine the role of this variant in disease. Therefore, it has been classified as a Variant of Uncertain Significance.

Ambry Genetics
Classification: Uncertain significance. Last evaluated: 2024-01-03. Review status: criteria provided, single submitter. Criteria: Ambry Variant Classification Scheme 2023. Collection method: clinical testing. Allele origin: germline.

NM_002772.3(TMPRSS15):c.2848A>T (p.Ile950Phe)

Gene: TMPRSS15 (transmembrane serine protease 15; minus strand). Cytogenetic location: 21q21.1.
Variant type: single nucleotide variant.
Coding change: c.2848A>T on transcript NM_002772.3 (MANE Select); coding-DNA position 2848, A replaced by T.
Protein change: p.Ile950Phe; replaces isoleucine 950 with phenylalanine.
Molecular consequence: missense variant.
Genome position (GRCh38, 1-based): chr21:18,275,253, T>A on the plus strand (A>T on the coding strand, the complement: TMPRSS15 is on the minus strand). VCF-style: chr21-18275253-T-A. GRCh37 (hg19) VCF-style: chr21-19647570-T-A.
Other names: c.2848A>T (NM_002772.2); short protein forms I950F.
Identifiers: ClinVar variation 2085786 (VCV002085786.3), dbSNP rs150307724, ClinGen allele CA9983878.